The following is an entry in ClinVar:

NM_020686.6(ABAT):c.1384G>A (p.Val462Met)

Gene: ABAT (4-aminobutyrate aminotransferase; plus strand). Cytogenetic location: 16p13.2.
Variant type: single nucleotide variant.
Coding change: c.1384G>A on transcript NM_020686.6 (MANE Select); coding-DNA position 1384, G replaced by A.
Protein change: p.Val462Met; replaces valine 462 with methionine.
Molecular consequence: missense variant. On other transcripts: synonymous variant (2).
Genome position (GRCh38, 1-based): chr16:8,781,311, G>A. VCF-style: chr16-8781311-G-A. GRCh37 (hg19) VCF-style: chr16-8875168-G-A.
Other names: c.1384G>A, p.Val462Met (NM_000663.5, NM_001127448.2, NM_001386600.1 and 4 more transcripts); c.1345G>A, p.Val449Met (NM_001386605.1); c.1321G>A, p.Val441Met (NM_001386606.1, NM_001386607.1); c.1291G>A, p.Val431Met (NM_001386608.1); c.1272G>A, p.Val424= (NM_001386609.1); c.1249G>A, p.Val417Met (NM_001386610.1, NM_001386611.1); c.1186G>A, p.Val396Met (NM_001386612.1, NM_001386613.1); c.1138G>A, p.Val380Met (NM_001386614.1); and 2 more; short protein forms V380M, V431M, V462M, V396M, V417M, V441M, V494M, V449M.
Identifiers: ClinVar variation 2044231 (VCV002044231.1), dbSNP rs779818625, ClinGen allele CA7893569.

ClinVar aggregate classification (germline): Uncertain significance (1 of 4 stars; one submission).

Conditions:
Gamma-aminobutyric acid transaminase deficiency (GABATD). Also called: GABA transaminase deficiency; Gamma aminobutyrate transaminase deficiency; 4 alpha aminobutyrate transaminase deficiency; GABA aminotransaminase deficiency. Identifiers: Orphanet 2066, MedGen C0342708, MONDO:0013166, OMIM 613163.

Allele frequency attached by ClinVar (database versions not stated): gnomAD exomes below 0.00001; ExAC 0.00001.
gnomAD v4.1: 8 of 1,613,980 alleles (0.0005%); highest among the groups gnomAD compares: East Asian, 0.0089%; no homozygotes.

Submission:

Labcorp Genetics (formerly Invitae), Labcorp
Classification: Uncertain significance for Gamma-aminobutyric acid transaminase deficiency. Last evaluated: 2022-05-25. Review status: criteria provided, single submitter. Criteria: Invitae Variant Classification Sherloc (09022015). Collection method: clinical testing. Allele origin: germline.
Comment: This sequence change replaces valine, which is neutral and non-polar, with methionine, which is neutral and non-polar, at codon 462 of the ABAT protein (p.Val462Met). This variant is present in population databases (rs779818625, gnomAD 0.02%). This variant has not been reported in the literature in individuals affected with ABAT-related conditions. Algorithms developed to predict the effect of missense changes on protein structure and function are either unavailable or do not agree on the potential impact of this missense change (SIFT: "Deleterious"; PolyPhen-2: "Benign"; Align-GVGD: "Class C0"). Algorithms developed to predict the effect of sequence changes on RNA splicing suggest that this variant may create or strengthen a splice site. In summary, the available evidence is currently insufficient to determine the role of this variant in disease. Therefore, it has been classified as a Variant of Uncertain Significance.